The following is an entry in ClinVar:

NM_004369.4(COL6A3):c.7916A>T (p.Lys2639Met)

Gene: COL6A3 (collagen type VI alpha 3 chain; minus strand). Cytogenetic location: 2q37.3.
Variant type: single nucleotide variant.
Coding change: c.7916A>T on transcript NM_004369.4 (MANE Select); coding-DNA position 7916, A replaced by T.
Protein change: p.Lys2639Met; replaces lysine 2639 with methionine.
Molecular consequence: missense variant.
Genome position (GRCh38, 1-based): chr2:237,341,000, T>A on the plus strand (A>T on the coding strand, the complement: COL6A3 is on the minus strand). VCF-style: chr2-237341000-T-A. GRCh37 (hg19) VCF-style: chr2-238249643-T-A.
Other names: c.6095A>T, p.Lys2032Met (NM_057166.5); c.7298A>T, p.Lys2433Met (NM_057167.4); short protein forms K2032M, K2639M, K2433M.
Identifiers: ClinVar variation 4746444 (VCV004746444.1).

ClinVar aggregate classification (germline): Uncertain significance (1 of 4 stars; one submission).

Conditions:
Bethlem myopathy 1A. Also called: MYOPATHY, BENIGN CONGENITAL, WITH CONTRACTURES; Bethlem myopathy 1; Bethlem Muscular Dystrophy. Identifiers: Orphanet 610, MedGen CN029274, MONDO:0024530, OMIM 158810.

Submission:

Labcorp Genetics (formerly Invitae), Labcorp
Classification: Uncertain significance for Bethlem myopathy 1A. Last evaluated: 2025-06-12. Review status: criteria provided, single submitter. Criteria: Invitae Variant Classification Sherloc (09022015). Collection method: clinical testing. Allele origin: germline.
Comment: This sequence change replaces lysine, which is basic and polar, with methionine, which is neutral and non-polar, at codon 2639 of the COL6A3 protein (p.Lys2639Met). This variant is not present in population databases (gnomAD no frequency). This variant has not been reported in the literature in individuals affected with COL6A3-related conditions. Invitae Evidence Modeling of protein sequence and biophysical properties (such as structural, functional, and spatial information, amino acid conservation, physicochemical variation, residue mobility, and thermodynamic stability) indicates that this missense variant is expected to disrupt COL6A3 protein function with a positive predictive value of 80%. In summary, the available evidence is currently insufficient to determine the role of this variant in disease. Therefore, it has been classified as a Variant of Uncertain Significance.